The following is an entry in ClinVar:

NM_000059.4(BRCA2):c.7847C>A (p.Ser2616Tyr)

Gene: BRCA2 (BRCA2 DNA repair associated; plus strand). Cytogenetic location: 13q13.1.
Variant type: single nucleotide variant.
Coding change: c.7847C>A on transcript NM_000059.4 (MANE Select); coding-DNA position 7847, C replaced by A.
Protein change: p.Ser2616Tyr; replaces serine 2616 with tyrosine.
Molecular consequence: missense variant.
Genome position (GRCh38, 1-based): chr13:32,362,564, C>A. VCF-style: chr13-32362564-C-A. GRCh37 (hg19) VCF-style: chr13-32936701-C-A.
Other names: short protein forms S2616Y.
Identifiers: ClinVar variation 479293 (VCV000479293.5), dbSNP rs1174303167, ClinGen allele CA387747041.

ClinVar aggregate classification (germline): Uncertain significance (1 of 4 stars; one submission).

Conditions:
Hereditary cancer-predisposing syndrome. Also called: Neoplastic Syndromes, Hereditary; Hereditary Cancer Syndrome; Hereditary neoplastic syndrome; Tumor predisposition. Identifiers: Orphanet 140162, MedGen C0027672, MeSH D009386, MONDO:0015356.

Allele frequency attached by ClinVar (database versions not stated): TOPMed below 0.00001; gnomAD 0.00001.
gnomAD v4.1: 1 of 1,613,748 alleles (0.000062%); highest among the groups gnomAD compares: African/African-American, 0.0013%; no homozygotes.

Submission:

Ambry Genetics
Classification: Uncertain significance for Hereditary cancer-predisposing syndrome. Last evaluated: 2016-01-19. Review status: criteria provided, single submitter. Criteria: Ambry Variant Classification Scheme 2023. Collection method: clinical testing. Allele origin: germline.
Comment: The p.S2616Y variant (also known as c.7847C>A), located in coding exon 16 of the BRCA2 gene, results from a C to A substitution at nucleotide position 7847. The serine at codon 2616 is replaced by tyrosine, an amino acid with dissimilar properties. This amino acid position is not well conserved in available vertebrate species. In addition, this alteration is predicted to be deleterious by in silico analysis. Since supporting evidence is limited at this time, the clinical significance of this alteration remains unclear.